The following is an entry in ClinVar:

NM_002435.3(MPI):c.845-9T>C

Gene: MPI (mannose phosphate isomerase; plus strand). Cytogenetic location: 15q24.1.
Variant type: single nucleotide variant.
Coding change: c.845-9T>C on transcript NM_002435.3 (MANE Select); 9 bases into the intron before coding-DNA position 845, T replaced by C.
Molecular consequence: intron variant.
Genome position (GRCh38, 1-based): chr15:74,897,002, T>C. VCF-style: chr15-74897002-T-C. GRCh37 (hg19) VCF-style: chr15-75189343-T-C.
Other names: c.785-9T>C (NM_001330372.2); c.845-510T>C (NM_001289155.2); c.662-9T>C (NM_001289157.2); c.695-9T>C (NM_001289156.2).
Identifiers: ClinVar variation 2020541 (VCV002020541.4), dbSNP rs2505828592, ClinGen allele CA2580090000.
Genomic context (GRCh38, chr15:74,897,002, plus strand): 5'-TTAGGAGGCCCAGAACTGGAGAGCTAAGGCATACTTCATCAGCTTAGCACATGACGACTG[T>C]CTCTCCAGACTGCGTGGAGTGCATGGCGTGTTCAGACAACACAGTTCGTGCTGGCCTGAC-3'

ClinVar aggregate classification (germline): Uncertain significance (1 of 4 stars; one submission).

Conditions:
MPI-congenital disorder of glycosylation. Also called: MPI-CDG; PROTEIN-LOSING ENTEROPATHY-HEPATIC FIBROSIS SYNDROME; MPI DEFICIENCY; CDG Ib; MANNOSEPHOSPHATE ISOMERASE DEFICIENCY; CONGENITAL DISORDER OF GLYCOSYLATION, TYPE Ib. Identifiers: Orphanet 79319, MedGen C1865145, MONDO:0011257, OMIM 602579.

Allele frequency attached by ClinVar (database versions not stated): gnomAD exomes below 0.00001.
gnomAD v4.1: 2 of 1,614,008 alleles (0.00012%); highest among the groups gnomAD compares: Non-Finnish European, 0.00017%; no homozygotes.

Submission:

Labcorp Genetics (formerly Invitae), Labcorp
Classification: Uncertain significance for MPI-congenital disorder of glycosylation. Last evaluated: 2022-11-22. Review status: criteria provided, single submitter. Criteria: Invitae Variant Classification Sherloc (09022015). Collection method: clinical testing. Allele origin: germline.
Comment: Algorithms developed to predict the effect of sequence changes on RNA splicing suggest that this variant may disrupt the consensus splice site. In summary, the available evidence is currently insufficient to determine the role of this variant in disease. Therefore, it has been classified as a Variant of Uncertain Significance. This variant has not been reported in the literature in individuals affected with MPI-related conditions. This sequence change falls in intron 6 of the MPI gene. It does not directly change the encoded amino acid sequence of the MPI protein. This variant is not present in population databases (gnomAD no frequency).